The following is an entry in ClinVar:

ClinVar aggregate classification (germline): Uncertain significance. Review status: criteria provided, multiple submitters, no conflicts (2 of 4 stars). 6 submissions from 6 submitters: Uncertain significance (5). 1 of the submissions does not count toward it. Last evaluated 2025-01-08.

Conditions:
Cardiovascular phenotype. Identifiers: MedGen CN230736.
Hypertrophic cardiomyopathy 20. Identifiers: MedGen C3151267, MONDO:0013477, OMIM 613876.
Dilated cardiomyopathy 1CC (CMD1CC). Identifiers: Orphanet 154, MedGen C2751084, MONDO:0013147, OMIM 613122.
Long QT syndrome (LQTS). Identifiers: MedGen C0023976, MeSH D008133, MONDO:0002442. Disease mechanism: loss of function. Inheritance: Various modes of inheritance.

Allele frequency attached by ClinVar (database versions not stated): ExAC 0.00001; gnomAD 0.00001; gnomAD exomes 0.00001 and 0.00004; TOPMed 0.00001.

Submissions (6):

Ambry Genetics
Classification: Uncertain significance for Cardiovascular phenotype. Last evaluated: 2025-01-08. Review status: criteria provided, single submitter. Criteria: Ambry Variant Classification Scheme 2023. Collection method: clinical testing. Allele origin: germline.
Comment: The c.1609_1610insA variant, located in coding exon 11 of the NEXN gene, results from an insertion of one nucleotide at position 1609, causing a translational frameshift with a predicted alternate stop codon (p.L537Yfs*7). This alteration occurs at the 3' terminus of theNEXN gene, is not expected to trigger nonsense-mediated mRNAdecay, and impacts the last 20% of the protein. The exact functional effect of this alteration is unknown. This variant was reported in an individual in a dilated cardiomyopathy (DCM) cohort, but clinical details were limited (Mazzarotto F et al. Circulation, 2020 Feb;141:387-398). Based on the available evidence, the clinical significance of this variant remains unclear.

Labcorp Genetics (formerly Invitae), Labcorp
Classification: Uncertain significance for Dilated cardiomyopathy 1CC; Hypertrophic cardiomyopathy 20. Last evaluated: 2024-01-29. Review status: criteria provided, single submitter. Criteria: Invitae Variant Classification Sherloc (09022015). Collection method: clinical testing. Allele origin: germline.
Comment: This sequence change creates a premature translational stop signal (p.Leu537Tyrfs*7) in the NEXN gene. While this is not anticipated to result in nonsense mediated decay, it is expected to disrupt the last 139 amino acid(s) of the NEXN protein. This variant is present in population databases (rs779350415, gnomAD 0.0009%). This premature translational stop signal has been observed in individual(s) with left ventricular noncompaction (PMID: 33500567). ClinVar contains an entry for this variant (Variation ID: 283614). Experimental studies and prediction algorithms are not available or were not evaluated, and the functional significance of this variant is currently unknown. In summary, the available evidence is currently insufficient to determine the role of this variant in disease. Therefore, it has been classified as a Variant of Uncertain Significance.

Fulgent Genetics
Classification: Uncertain significance for Dilated cardiomyopathy 1CC; Hypertrophic cardiomyopathy 20. Last evaluated: 2021-07-12. Review status: criteria provided, single submitter. Criteria: ACMG Guidelines, 2015. Collection method: clinical testing. Allele origin: unknown.

Laboratory for Molecular Medicine, Mass General Brigham Personalized Medicine
Classification: Uncertain significance. Last evaluated: 2016-07-28. Review status: criteria provided, single submitter. Criteria: LMM Criteria. Collection method: clinical testing. Allele origin: germline. Observed: 1 variant allele.
Comment: Variant classified as Uncertain Significance - Favor Pathogenic. The p.Leu537fs variant in NEXN has not been previously reported in individuals with cardiomyopa thy, but has been identified in 1/66208 European chromosomes by the Exome Aggreg ation Consortium (ExAC; dbSNP rs779350415). This variant is predicted to cause a frameshift, which alters the protein?s amino ac id sequence beginning at position 537 and leads to a premature termination codon 7 amino acids downstream. Although the severe nature of this change increases t he likelihood that the variant is pathogenic, the NEXN gene has not been widely studied and the spectrum of variants leading to disease is not well-defined. Los s of NEXN function has been shown to cause DCM in zebrafish; however, it remains unclear if one or both copies of the gene need to be affected to cause disease (Hassel 2009, Wang 2010). In summary, while there is some suspicion for a pathog enic role, the clinical significance of the p.Leu537fs variant is uncertain.

Eurofins Ntd Llc (ga)
Classification: Uncertain significance. Last evaluated: 2015-10-12. Review status: criteria provided, single submitter. Criteria: EGL Classification Definitions 2015. Collection method: clinical testing. Allele origin: germline. Observed: 1 variant allele, 1 heterozygote.

Agnes Ginges Centre for Molecular Cardiology, Centenary Institute
Classification: Uncertain significance for Long QT syndrome. Last evaluated: 2019-04-23. Review status: no assertion criteria provided. Collection method: research. Allele origin: germline. Inheritance: Autosomal dominant inheritance. Affected: yes. Not counted in ClinVar's aggregate classification.
Comment: This variant has been identified as part of our research program. For further information please feel free to contact us.

Literature cited by the submitters: PubMed 31983221 (cited by Ambry Genetics); PubMed 33500567 (cited by Labcorp Genetics (formerly Invitae), Labcorp).

NM_144573.4(NEXN):c.1609_1610insA (p.Leu537fs)

Gene: NEXN (nexilin F-actin binding protein; plus strand). Cytogenetic location: 1p31.1.
Variant type: Insertion.
Coding change: c.1609_1610insA on transcript NM_144573.4 (MANE Select); coding-DNA positions 1609 to 1610, A inserted.
Protein change: p.Leu537fs; shifts the reading frame from leucine 537.
Molecular consequence: frameshift variant.
Genome position: GRCh38 VCF-style: chr1-77942158-T-TA. GRCh37 (hg19) VCF-style: chr1-78407843-T-TA.
Other names: c.1417_1418insA, p.Leu473fs (NM_001172309.2); short protein forms L473fs, L537fs.
Identifiers: ClinVar variation 283614 (VCV000283614.15), dbSNP rs779350415, ClinGen allele CA918932.